The following is an entry in ClinVar:

NM_005633.4(SOS1):c.392T>C (p.Val131Ala)

Gene: SOS1 (SOS Ras/Rac guanine nucleotide exchange factor 1; minus strand). Cytogenetic location: 2p22.1.
Variant type: single nucleotide variant.
Coding change: c.392T>C on transcript NM_005633.4 (MANE Select); coding-DNA position 392, T replaced by C.
Protein change: p.Val131Ala; replaces valine 131 with alanine.
Molecular consequence: missense variant.
Genome position (GRCh38, 1-based): chr2:39,056,820, A>G on the plus strand (T>C on the coding strand, the complement: SOS1 is on the minus strand). VCF-style: chr2-39056820-A-G. GRCh37 (hg19) VCF-style: chr2-39283961-A-G.
Other names: c.371T>C, p.Val124Ala (NM_001382394.1); c.392T>C, p.Val131Ala (NM_001382395.1); short protein forms V124A, V131A.
Identifiers: ClinVar variation 3708085 (VCV003708085.4).
Genomic context (GRCh38, chr2:39,056,820, plus strand): 5'-TTTCTTACATAATTCCCAACCAGCTTTAAAATGTCTGCAGAAATGTATTCTAAGACTGCT[A>G]CTATGTAAACAGAAACCTGGTGGTCAATTTTATAACCTAGGACCTCCTGCAAAATTAAAA-3'
Protein context (NP_005624.2, residues 121-141): KIDHQVSVYI[Val131Ala]AVLEYISADI

ClinVar aggregate classification (germline): Uncertain significance. Review status: criteria provided, multiple submitters, no conflicts (2 of 4 stars). 3 submissions from 3 submitters: Uncertain significance (3). Last evaluated 2024-12-13.

Conditions:
Cardiovascular phenotype. Identifiers: MedGen CN230736.
RASopathy. Also called: rasopathies; Noonan spectrum disorder. Identifiers: Orphanet 536391, MedGen C5555857, MONDO:0021060.

gnomAD v4.1: 16 of 1,607,108 alleles (0.001%); highest among the groups gnomAD compares: South Asian, 0.0022%; no homozygotes.

Submissions (3):

Ambry Genetics
Classification: Uncertain significance for Cardiovascular phenotype. Last evaluated: 2024-12-13. Review status: criteria provided, single submitter. Criteria: Ambry Variant Classification Scheme 2023. Collection method: clinical testing. Allele origin: germline.
Comment: The p.V131A variant (also known as c.392T>C), located in coding exon 4 of the SOS1 gene, results from a T to C substitution at nucleotide position 392. The valine at codon 131 is replaced by alanine, an amino acid with similar properties. This amino acid position is conserved. In addition, the in silico prediction for this alteration is inconclusive. Based on the available evidence, the clinical significance of this variant remains unclear.

Labcorp Genetics (formerly Invitae), Labcorp
Classification: Uncertain significance for RASopathy. Last evaluated: 2024-08-13. Review status: criteria provided, single submitter. Criteria: Invitae Variant Classification Sherloc (09022015). Collection method: clinical testing. Allele origin: germline.
Comment: This sequence change replaces valine, which is neutral and non-polar, with alanine, which is neutral and non-polar, at codon 131 of the SOS1 protein (p.Val131Ala). This variant is present in population databases (rs754751004, gnomAD 0.006%). This variant has not been reported in the literature in individuals affected with SOS1-related conditions. Invitae Evidence Modeling of protein sequence and biophysical properties (such as structural, functional, and spatial information, amino acid conservation, physicochemical variation, residue mobility, and thermodynamic stability) has been performed for this missense variant. However, the output from this modeling did not meet the statistical confidence thresholds required to predict the impact of this variant on SOS1 protein function. In summary, the available evidence is currently insufficient to determine the role of this variant in disease. Therefore, it has been classified as a Variant of Uncertain Significance.

Blueprint Genetics
Classification: Uncertain significance. Last evaluated: 2024-04-29. Review status: criteria provided, single submitter. Criteria: ACMG Guidelines, 2015. Collection method: clinical testing. Allele origin: germline.